The following is an entry in ClinVar:

NM_001377.3(DYNC2H1):c.7967G>A (p.Arg2656His)

Gene: DYNC2H1 (dynein cytoplasmic 2 heavy chain 1; plus strand). Cytogenetic location: 11q22.3.
Variant type: single nucleotide variant.
Coding change: c.7967G>A on transcript NM_001377.3 (MANE Select); coding-DNA position 7967, G replaced by A.
Protein change: p.Arg2656His; replaces arginine 2656 with histidine.
Molecular consequence: missense variant.
Genome position (GRCh38, 1-based): chr11:103,199,355, G>A. VCF-style: chr11-103199355-G-A. GRCh37 (hg19) VCF-style: chr11-103070084-G-A.
Other names: c.7967G>A, p.Arg2656His (NM_001080463.2); short protein forms R2656H.
Identifiers: ClinVar variation 446620 (VCV000446620.17), dbSNP rs200614421, ClinGen allele CA6254363.
Genomic context (GRCh38, chr11:103,199,355, plus strand): 5'-ATATGTCTAGGATAGATAGAGTGCTGAGTTTCCCTGGAGGTTCACTTCTATTAGCAGGAC[G>A]CAGTGGTGTAGGTCGTCGGACCATCACTTCTTTAGTCAGTCACATGCATGGAGCGGTCCT-3'
Protein context (NP_001368.2, residues 2646-2666): FPGGSLLLAG[Arg2656His]SGVGRRTITS

ClinVar aggregate classification (germline): Conflicting classifications of pathogenicity. Review status: criteria provided, conflicting classifications (1 of 4 stars). 7 submissions from 7 submitters: Uncertain significance (3); Likely benign (1). 3 of the submissions do not count toward it. Last evaluated 2026-05-12.

Conditions:
Jeune thoracic dystrophy. Also called: Jeune syndrome; Infantile thoracic dystrophy; Thoracic pelvic phalangeal dystrophy; Jeune's syndrome; Chondroectodermal dysplasia-like syndrome; Short-rib thoracic dysplasia. Identifiers: Orphanet 474, MedGen C0265275, MONDO:0018770.
Asphyxiating thoracic dystrophy 3. Also called: SHORT-RIB THORACIC DYSPLASIA 3 WITH OR WITHOUT POLYDACTYLY; POLYDACTYLY WITH NEONATAL CHONDRODYSTROPHY, TYPE I; SHORT-RIB THORACIC DYSPLASIA 3/6 WITH POLYDACTYLY, DIGENIC; Short rib polydactyly syndrome 2B; Saldino-Noonan Syndrome. Identifiers: Orphanet 474, Orphanet 93269, Orphanet 93270, Orphanet 93271, MedGen C0036069, MONDO:0013127, OMIM 613091.

Allele frequency attached by ClinVar (database versions not stated): TOPMed 0.00014; ESP Exome Variant Server 0.00017; gnomAD 0.00017 and 0.00018.
gnomAD v4.1: 227 of 1,612,254 alleles (0.014%); highest among the groups gnomAD compares: Middle Eastern, 0.039%; no homozygotes.

Submissions (7):

Women's Health and Genetics/Laboratory Corporation of America, LabCorp
Classification: Uncertain significance. Last evaluated: 2026-05-12. Review status: criteria provided, single submitter. Criteria: LabCorp Variant Classification Summary - May 2015. Collection method: clinical testing. Allele origin: germline.
Comment: Variant summary: DYNC2H1 c.7967G>A (p.Arg2656His) results in a non-conservative amino acid change in the encoded protein sequence. Algorithms developed to predict the effect of missense changes on protein structure and function are either unavailable or do not agree on the potential impact of this missense change. The variant allele was found at a frequency of 0.00029 in 248566 control chromosomes. This frequency is not significantly higher than estimated for disease-causing variants in DYNC2H1, allowing no conclusion about variant significance. c.7967G>A has been observed in at least one compound heterozygous individual affected with asphyxiating thoracic dystrophy (example: Zhang_2018). This data does not allow any conclusion about variant significance. To our knowledge, no experimental evidence demonstrating an impact on protein function has been reported. The following publication has been ascertained in the context of this evaluation (PMID: 29068549). ClinVar contains an entry for this variant (Variation ID: 446620). Based on the evidence outlined above, the variant was classified as uncertain significance.

Labcorp Genetics (formerly Invitae), Labcorp
Classification: Likely benign for Jeune thoracic dystrophy. Last evaluated: 2026-01-20. Review status: criteria provided, single submitter. Criteria: Invitae Variant Classification Sherloc (09022015). Collection method: clinical testing. Allele origin: germline.

Blueprint Genetics
Classification: Uncertain significance. Last evaluated: 2024-11-18. Review status: criteria provided, single submitter. Criteria: ACMG Guidelines, 2015. Collection method: clinical testing. Allele origin: germline.

GeneDx
Classification: Uncertain significance. Last evaluated: 2020-11-09. Review status: criteria provided, single submitter. Criteria: GeneDx Variant Classification Process June 2021. Collection method: clinical testing. Allele origin: germline. Affected: yes.
Comment: Identified in a prenatal proband with short-rib polydactyly syndromes in published literature (Zhang et al., 2018); In silico analysis supports that this missense variant has a deleterious effect on protein structure/function; This variant is associated with the following publications: (PMID: 29068549, 31589614, 33369054)

Reproductive Health Research and Development, BGI Genomics
Classification: Uncertain significance for Short-rib thoracic dysplasia 3 with or without polydactyly. Last evaluated: 2020-01-06. Review status: no assertion criteria provided. Collection method: curation. Allele origin: germline. Not counted in ClinVar's aggregate classification.
Comment: NM_001080463.1:c.7967G>A in the DYNC2H1 gene has an allele frequency of 0.006 in Ashkenazi Jewish subpopulation in the gnomAD database. Pathogenic computational verdict because pathogenic predictions from DANN, DEOGEN2, EIGEN, FATHMM-MKL, M-CAP, MutationAssessor, MutationTaster and SIFT. However, the pathogenicity of c.7268C>A and 5984C>T was uncertain. We interpret it as a variant of uncertain significance favor of likely pathogenic. ACMG/AMP criteria applied: PP3, PP4.

Dan Cohn Lab, University Of California Los Angeles
Classification: Pathogenic for Asphyxiating thoracic dystrophy. Last evaluated: 2017-06-01. Review status: no assertion criteria provided. Collection method: research. Allele origin: paternal. Affected: yes. Not counted in ClinVar's aggregate classification.

University of Washington Center for Mendelian Genomics, University of Washington
Classification: Likely pathogenic for asphyxiating thoracic dystrophy. Review status: no assertion criteria provided. Collection method: research. Allele origin: inherited. Affected: yes. Not counted in ClinVar's aggregate classification.

Literature cited by the submitters: PubMed 29068549 (cited by 3 submitters).